The following is an entry in ClinVar:

ClinVar aggregate classification (germline): Uncertain significance. Review status: criteria provided, multiple submitters, no conflicts (2 of 4 stars). 2 submissions from 2 submitters: Uncertain significance (2). Last evaluated 2024-06-22.

Conditions:
Inborn genetic diseases. Identifiers: MedGen C0950123, MeSH D030342.

Allele frequency attached by ClinVar (database versions not stated): ExAC 0.00001; gnomAD 0.00001; gnomAD exomes 0.00001; TOPMed 0.00002; ESP Exome Variant Server 0.00008.
gnomAD v4.1: 10 of 1,609,574 alleles (0.00062%); highest among the groups gnomAD compares: African/African-American, 0.0013%; no homozygotes.

Submissions (2):

Ambry Genetics
Classification: Uncertain significance for Inborn genetic diseases. Last evaluated: 2024-06-22. Review status: criteria provided, single submitter. Criteria: Ambry Variant Classification Scheme 2023. Collection method: clinical testing. Allele origin: germline.

Labcorp Genetics (formerly Invitae), Labcorp
Classification: Uncertain significance. Last evaluated: 2022-04-28. Review status: criteria provided, single submitter. Criteria: Invitae Variant Classification Sherloc (09022015). Collection method: clinical testing. Allele origin: germline.
Comment: This variant is present in population databases (rs376722014, gnomAD 0.0009%). This variant has not been reported in the literature in individuals affected with ERCC3-related conditions. Algorithms developed to predict the effect of missense changes on protein structure and function (SIFT, PolyPhen-2, Align-GVGD) all suggest that this variant is likely to be tolerated. In summary, the available evidence is currently insufficient to determine the role of this variant in disease. Therefore, it has been classified as a Variant of Uncertain Significance. This sequence change replaces glutamine, which is neutral and polar, with arginine, which is basic and polar, at codon 154 of the ERCC3 protein (p.Gln154Arg).

NM_000122.2(ERCC3):c.461A>G (p.Gln154Arg)

Gene: ERCC3 (ERCC excision repair 3, TFIIH core complex helicase subunit; minus strand). Cytogenetic location: 2q14.3.
Variant type: single nucleotide variant.
Coding change: c.461A>G on transcript NM_000122.2 (MANE Select); coding-DNA position 461, A replaced by G.
Protein change: p.Gln154Arg; replaces glutamine 154 with arginine.
Molecular consequence: missense variant.
Genome position (GRCh38, 1-based): chr2:127,292,620, T>C on the plus strand (A>G on the coding strand, the complement: ERCC3 is on the minus strand). VCF-style: chr2-127292620-T-C. GRCh37 (hg19) VCF-style: chr2-128050196-T-C.
Other names: c.269A>G, p.Gln90Arg (NM_001303416.2, NM_001303418.2); short protein forms Q154R, Q90R.
Identifiers: ClinVar variation 1939496 (VCV001939496.6), dbSNP rs376722014, ClinGen allele CA1858547.